The following is an entry in ClinVar:

NM_014452.5(TNFRSF21):c.184G>A (p.Gly62Ser)

Gene: TNFRSF21 (TNF receptor superfamily member 21; minus strand). Cytogenetic location: 6p12.3.
Variant type: single nucleotide variant.
Coding change: c.184G>A on transcript NM_014452.5 (MANE Select); coding-DNA position 184, G replaced by A.
Protein change: p.Gly62Ser; replaces glycine 62 with serine.
Molecular consequence: missense variant.
Genome position (GRCh38, 1-based): chr6:47,286,508, C>T on the plus strand (G>A on the coding strand, the complement: TNFRSF21 is on the minus strand). VCF-style: chr6-47286508-C-T. GRCh37 (hg19) VCF-style: chr6-47254244-C-T.
Other names: c.184G>A (NM_014452.4); short protein forms G62S.
Identifiers: ClinVar variation 4083738 (VCV004083738.9).

ClinVar aggregate classification (germline): Likely benign. Review status: criteria provided, multiple submitters, no conflicts (2 of 4 stars). 2 submissions from 2 submitters: Likely benign (2). Last evaluated 2025-08-27.

Conditions:
TNFRSF21-related condition.

gnomAD v4.1: 5,608 of 1,614,148 alleles (0.35%); highest among the groups gnomAD compares: South Asian, 0.56%; 12 homozygotes.

Submissions (2):

PreventionGenetics, part of Exact Sciences
Classification: Likely benign for TNFRSF21-related condition. Last evaluated: 2025-08-27. Review status: criteria provided, single submitter. Criteria: ACMG Guidelines, 2015. Collection method: clinical testing. Allele origin: germline.
Comment: This variant is classified as likely benign based on ACMG/AMP sequence variant interpretation guidelines (Richards et al. 2015 PMID: 25741868, with internal and published modifications).

CeGaT Center for Human Genetics Tuebingen
Classification: Likely benign. Last evaluated: 2025-07-01. Review status: criteria provided, single submitter. Criteria: CeGaT Center For Human Genetics Tuebingen Variant Classification Criteria Version 2. Collection method: clinical testing. Allele origin: germline. Affected: yes. Observed: 1 variant allele.
Comment: TNFRSF21: BP4, BS2